The following is an entry in ClinVar:

ClinVar aggregate classification (germline): Benign (1 of 4 stars; one submission).

Allele frequency attached by ClinVar (database versions not stated): gnomAD 0.09943 and 0.10096; 1000 Genomes Project 0.08267; 1000 Genomes Project 30x 0.08479; TOPMed 0.09879.

Submission:

GeneDx
Classification: Benign. Last evaluated: 2018-06-19. Review status: criteria provided, single submitter. Criteria: GeneDx Variant Classification (06012015). Collection method: clinical testing. Allele origin: germline. Affected: yes.
Comment: This variant is considered likely benign or benign based on one or more of the following criteria: it is a conservative change, it occurs at a poorly conserved position in the protein, it is predicted to be benign by multiple in silico algorithms, and/or has population frequency not consistent with disease.

NM_002256.3(KISS1):c.-516T>C

Gene: KISS1 (KiSS-1 metastasis suppressor; minus strand). Cytogenetic location: 1q32.1.
Variant type: single nucleotide variant.
Coding change: c.-516T>C on transcript NM_002256.3; 516 bases upstream of the start codon, T replaced by C.
Genome position (GRCh38, 1-based): chr1:204,196,853, A>G on the plus strand (T>C on the coding strand, the complement: KISS1 is on the minus strand). VCF-style: chr1-204196853-A-G. GRCh37 (hg19) VCF-style: chr1-204165981-A-G.
Identifiers: ClinVar variation 674290 (VCV000674290.3), dbSNP rs56095702, ClinGen allele CA10855621.
Genomic context (GRCh38, chr1:204,196,853, plus strand): 5'-TGTCAGTGTGAAATGTCTTGTTTCCTCTCCGAAGAGCCACAGACACACCTAGTCTGAATT[A>G]GACGTAGAAAACGACAGGAAGAGGGGAGGAGAAGGGCACAGGCTGACCCAGGGGCTCCTC-3'